The following is an entry in ClinVar:

NM_004982.4(KCNJ8):c.1036G>A (p.Val346Ile)

Genes: KCNJ8 (potassium inwardly rectifying channel subfamily J member 8; minus strand), KCNJ8-AS1 (KCNJ8 antisense RNA 1; plus strand). Cytogenetic location: 12p12.1.
Variant type: single nucleotide variant.
Coding change: c.1036G>A on transcript NM_004982.4 (MANE Select); coding-DNA position 1036, G replaced by A.
Protein change: p.Val346Ile; replaces valine 346 with isoleucine.
Molecular consequence: missense variant.
Genome position (GRCh38, 1-based): chr12:21,765,962, C>T on the plus strand (G>A on the coding strand, the complement: KCNJ8 is on the minus strand). VCF-style: chr12-21765962-C-T. GRCh37 (hg19) VCF-style: chr12-21918896-C-T.
Other names: short protein forms V346I.
Identifiers: ClinVar variation 449327 (VCV000449327.12), dbSNP rs147316959, ClinGen allele CA6480632.
Genomic context (GRCh38, chr12:21,765,962, plus strand): 5'-TAAGGATGGAAGGTTTCTCATCCAGCTCTCGGGCACTGCACCGTGGAGCAGCTACTTTAA[C>T]AGTGTTGCCAAATTTGGAGTAATCCACAGAATACACTCCTTCTTCCTCAGTCACAATGGA-3'
Protein context (NP_004973.1, residues 336-356): SVDYSKFGNT[Val346Ile]KVAAPRCSAR

ClinVar aggregate classification (germline): Conflicting classifications of pathogenicity. Review status: criteria provided, conflicting classifications (1 of 4 stars). 3 submissions from 3 submitters: Uncertain significance (1); Likely benign (2). Last evaluated 2025-11-12.

Conditions:
Brugada syndrome. Also called: Sudden unexpected nocturnal death syndrome; Sudden unexplained nocturnal death syndrome; Sudden Unexplained Death Syndrome; Sudden Unexplained Nocturnal Death Syndrome (SUNDS). Identifiers: Orphanet 130, MedGen C1142166, MONDO:0015263.
Cardiovascular phenotype. Identifiers: MedGen CN230736.

Allele frequency attached by ClinVar (database versions not stated): gnomAD exomes 0.00003 and 0.00010; ExAC 0.00010; gnomAD 0.00028 and 0.00032; ESP Exome Variant Server 0.00031; TOPMed 0.00032.

Submissions (3):

Labcorp Genetics (formerly Invitae), Labcorp
Classification: Likely benign for Brugada syndrome. Last evaluated: 2025-11-12. Review status: criteria provided, single submitter. Criteria: Invitae Variant Classification Sherloc (09022015). Collection method: clinical testing. Allele origin: germline.

Ambry Genetics
Classification: Likely benign for Cardiovascular phenotype. Last evaluated: 2019-06-17. Review status: criteria provided, single submitter. Criteria: Ambry Variant Classification Scheme 2023. Collection method: clinical testing. Allele origin: germline.

GeneDx
Classification: Uncertain significance. Last evaluated: 2017-10-02. Review status: criteria provided, single submitter. Criteria: GeneDx Variant Classification (06012015). Collection method: clinical testing. Allele origin: germline. Affected: yes.
Comment: A variant of uncertain significance has been identified in the KCNJ8 gene. The V346I variant has been reported in association with sudden infant death syndrome (SIDS) (Tester et al., 2011); however, additional clinical information and segregation data were not provided. This variant is observed in 27/24034 (0.11%) alleles from individuals of African ancestry in large population cohorts (Lek et al., 2016). The V346I variant is a conservative amino acid substitution, which is not likely to impact secondary protein structure as these residues share similar properties. This substitution occurs at a position that is not conserved across species and where isoleucine (I) is present as the wild type in at least one species. Finally, in silico analysis is inconsistent in its predictions as to whether or not the variant is damaging to the protein structure/function.

Literature cited by the submitters: PubMed 21215473 (cited by Ambry Genetics); PubMed 21836131 (cited by Ambry Genetics); PubMed 23465283 (cited by Ambry Genetics).